The following is an entry in ClinVar:

ClinVar aggregate classification (germline): Uncertain significance. Review status: criteria provided, single submitter (1 of 4 stars). 3 submissions from 3 submitters: Uncertain significance (1). 2 of the submissions do not count toward it. Last evaluated 2021-07-19.

Conditions:
ALG8-related disorder.
ALG8 congenital disorder of glycosylation. Also called: ALG8-CDG; CONGENITAL DISORDER OF GLYCOSYLATION, TYPE Ih; CDG Ih. Identifiers: Orphanet 79325, MedGen C2931002, MONDO:0011969, OMIM 608104.
Polycystic liver disease 3 with or without kidney cysts. Identifiers: MedGen C4693472, MONDO:0054743, OMIM 617874.

Submissions (3):

Fulgent Genetics
Classification: Uncertain significance for ALG8 congenital disorder of glycosylation; Polycystic liver disease 3 with or without kidney cysts. Last evaluated: 2021-07-19. Review status: criteria provided, single submitter. Criteria: ACMG Guidelines, 2015. Collection method: clinical testing. Allele origin: unknown.

PreventionGenetics, part of Exact Sciences
Classification: Uncertain significance for ALG8-related condition. Last evaluated: 2024-06-03. Review status: no assertion criteria provided. Collection method: clinical testing. Allele origin: germline. Not counted in ClinVar's aggregate classification.
Comment: The ALG8 c.830_831delinsCA variant is predicted to result in an in-frame deletion and insertion. To our knowledge, this variant has not been reported in the literature or in a large population database, indicating this variant is rare. This variant is interpreted as no interpretation set.

Gharavi Laboratory, Columbia University
Classification: Uncertain significance. Last evaluated: 2018-09-16. Review status: no assertion criteria provided. Criteria: ACMG Guidelines, 2015. Collection method: research. Allele origin: germline. Affected: yes. Not counted in ClinVar's aggregate classification.

NM_024079.5(ALG8):c.830_831delinsCA (p.Cys277Ser)

Gene: ALG8 (ALG8 alpha-1,3-glucosyltransferase; minus strand). Cytogenetic location: 11q14.1.
Variant type: Indel.
Coding change: c.830_831delinsCA on transcript NM_024079.5 (MANE Select); coding-DNA positions 830 to 831, GT replaced by CA.
Protein change: p.Cys277Ser; replaces cysteine 277 with serine.
Molecular consequence: missense variant.
Genome position (GRCh38, 1-based): chr11:78,112,717-78,112,718, AC replaced by TG on the plus strand (GT replaced by CA on the coding strand, the reverse complement: ALG8 is on the minus strand). VCF-style: chr11-78112717-AC-TG. GRCh37 (hg19) VCF-style: chr11-77823763-AC-TG.
Other names: c.830_831delinsCA, p.Cys277Ser (NM_001007027.3); c.830_831delinsCA (NM_024079.4); short protein forms C277S.
Identifiers: ClinVar variation 591515 (VCV000591515.3), dbSNP rs1565349263, ClinGen allele CA891862930.